The following is an entry in ClinVar:

NC_000007.13:g.(?_17373516)_(17382688_?)del

Gene: AHR (aryl hydrocarbon receptor; plus strand). Cytogenetic location: 7p21.1.
Variant type: Deletion.
Identifiers: ClinVar variation 1373927 (VCV001373927.6).

ClinVar aggregate classification (germline): Uncertain significance (1 of 4 stars; one submission).

Submission:

Labcorp Genetics (formerly Invitae), Labcorp
Classification: Uncertain significance. Last evaluated: 2020-12-02. Review status: criteria provided, single submitter. Criteria: Invitae Variant Classification Sherloc (09022015). Collection method: clinical testing. Allele origin: germline.
Comment: In summary, the available evidence is currently insufficient to determine the role of this variant in disease. Therefore, it has been classified as a Variant of Uncertain Significance. Experimental studies and prediction algorithms are not available or were not evaluated, and the functional significance of this variant is currently unknown. This variant has not been reported in the literature in individuals with AHR-related conditions. This variant is a gross deletion of the genomic region encompassing exon(s) 7-11 of the AHR gene. The 5' boundary is likely confined to intron 6. The 3' end of this event is unknown as it extends through the termination codon beyond the assayed region for this gene and may encompass additional genes. While this deletion is not anticipated to lead to nonsense mediated decay, it is expected to alter mRNA translation or result in a truncated protein product.